The following is an entry in ClinVar:

ClinVar aggregate classification (germline): Conflicting classifications of pathogenicity. Review status: criteria provided, conflicting classifications (1 of 4 stars). 6 submissions from 6 submitters: Uncertain significance (3); Likely benign (1). 2 of the submissions do not count toward it. Last evaluated 2026-01-28.

Conditions:
PKHD1-related disorder. Also called: PKHD1-related condition.
Autosomal recessive polycystic kidney disease (ARPKD). Also called: AR polycystic kidney disease. Identifiers: Orphanet 731, Orphanet 8378, MedGen C0085548, MeSH D017044, MONDO:0009889.

Allele frequency attached by ClinVar (database versions not stated): 1000 Genomes Project 0.00040; gnomAD 0.00061 and 0.00056; gnomAD exomes 0.00008 and 0.00016; ExAC 0.00022; TOPMed 0.00064; 1000 Genomes Project 30x 0.00031; ESP Exome Variant Server 0.00062.
gnomAD v4.1: 201 of 1,614,112 alleles (0.012%); highest among the groups gnomAD compares: African/African-American, 0.23%; no homozygotes.

Submissions (6):

Labcorp Genetics (formerly Invitae), Labcorp
Classification: Likely benign for Autosomal recessive polycystic kidney disease. Last evaluated: 2026-01-28. Review status: criteria provided, single submitter. Criteria: Invitae Variant Classification Sherloc (09022015). Collection method: clinical testing. Allele origin: germline.

GeneDx
Classification: Uncertain significance. Last evaluated: 2022-03-10. Review status: criteria provided, single submitter. Criteria: GeneDx Variant Classification Process June 2021. Collection method: clinical testing. Allele origin: germline. Affected: yes.
Comment: In silico analysis, which includes protein predictors and evolutionary conservation, supports that this variant does not alter protein structure/function; Has not been previously published as pathogenic or benign to our knowledge

Women's Health and Genetics/Laboratory Corporation of America, LabCorp
Classification: Uncertain significance. Last evaluated: 2019-05-20. Review status: criteria provided, single submitter. Criteria: LabCorp Variant Classification Summary - May 2015. Collection method: clinical testing. Allele origin: germline.
Comment: Variant summary: PKHD1 c.2243C>T (p.Ala748Val) results in a non-conservative amino acid change in the encoded protein sequence. Four of five in-silico tools predict a benign effect of the variant on protein function. The variant allele was found at a frequency of 0.00024 in 282530 control chromosomes, predominantly at a frequency of 0.0022 within the African subpopulation in the gnomAD database. This frequency is not higher than the expected maximum for a pathogenic variant in PKHD1 causing Polycystic Kidney and Hepatic Disease (0.0022 vs 0.0071), allowing no conclusion about variant significance. c.2243C>T has been reported in the literature in an individual affected with transitional cell carcinoma, but is unclear whether it was a germline or somatic occurrence. This report does not provide unequivocal conclusions about association of the variant with Polycystic Kidney and Hepatic Disease. To our knowledge, no experimental evidence demonstrating an impact on protein function has been reported. Two ClinVar submissions from clinical diagnostic laboratories (evaluation after 2014) cite the variant as uncertain significance. Based on the evidence outlined above, the variant was classified as uncertain significance.

Eurofins Ntd Llc (ga)
Classification: Uncertain significance. Last evaluated: 2018-05-29. Review status: criteria provided, single submitter. Criteria: EGL ClinVar v180209 classification definitions. Collection method: clinical testing. Allele origin: germline. Observed: 5 variant alleles, 5 heterozygotes.

PreventionGenetics, part of Exact Sciences
Classification: Likely benign for PKHD1-related condition. Last evaluated: 2023-06-30. Review status: no assertion criteria provided. Collection method: clinical testing. Allele origin: germline. Not counted in ClinVar's aggregate classification.
Comment: This variant is classified as likely benign based on ACMG/AMP sequence variant interpretation guidelines (Richards et al. 2015 PMID: 25741868, with internal and published modifications).

Natera, Inc.
Classification: Uncertain significance for Autosomal recessive polycystic kidney disease. Last evaluated: 2018-05-26. Review status: no assertion criteria provided. Collection method: clinical testing. Allele origin: germline. Not counted in ClinVar's aggregate classification.

Literature cited by the submitters: PubMed 24121792 (cited by Women's Health and Genetics/Laboratory Corporation of America, LabCorp).

NM_138694.4(PKHD1):c.2243C>T (p.Ala748Val)

Gene: PKHD1 (PKHD1 ciliary IPT domain containing fibrocystin/polyductin; minus strand). Cytogenetic location: 6p12.2.
Variant type: single nucleotide variant.
Coding change: c.2243C>T on transcript NM_138694.4 (MANE Select); coding-DNA position 2243, C replaced by T.
Protein change: p.Ala748Val; replaces alanine 748 with valine.
Molecular consequence: missense variant.
Genome position (GRCh38, 1-based): chr6:52,050,193, G>A on the plus strand (C>T on the coding strand, the complement: PKHD1 is on the minus strand). VCF-style: chr6-52050193-G-A. GRCh37 (hg19) VCF-style: chr6-51914991-G-A.
Other names: c.2243C>T, p.Ala748Val (NM_170724.3); short protein forms A748V.
Identifiers: ClinVar variation 262394 (VCV000262394.23), dbSNP rs141622697, ClinGen allele CA3853298.